The following is an entry in ClinVar:

NM_080680.3(COL11A2):c.149C>T (p.Ala50Val)

Gene: COL11A2 (collagen type XI alpha 2 chain; minus strand). Cytogenetic location: 6p21.32.
Variant type: single nucleotide variant.
Coding change: c.149C>T on transcript NM_080680.3 (MANE Select); coding-DNA position 149, C replaced by T.
Protein change: p.Ala50Val; replaces alanine 50 with valine.
Molecular consequence: missense variant. On other transcripts: 5 prime UTR variant (3), non-coding transcript variant (1).
Genome position (GRCh38, 1-based): chr6:33,189,403, G>A on the plus strand (C>T on the coding strand, the complement: COL11A2 is on the minus strand). VCF-style: chr6-33189403-G-A. GRCh37 (hg19) VCF-style: chr6-33157180-G-A.
Other names: c.149C>T, p.Ala50Val (NM_001163771.2, NM_001424108.1, NM_080679.3 and 1 more transcripts); c.-698C>T (NM_001424109.1, NM_001424110.1, NM_001424111.1); short protein forms A50V.
Identifiers: ClinVar variation 4810093 (VCV004810093.1).

ClinVar aggregate classification (germline): Uncertain significance (1 of 4 stars; one submission).

Submission:

Labcorp Genetics (formerly Invitae), Labcorp
Classification: Uncertain significance. Last evaluated: 2025-03-07. Review status: criteria provided, single submitter. Criteria: Invitae Variant Classification Sherloc (09022015). Collection method: clinical testing. Allele origin: germline.
Comment: This sequence change replaces alanine, which is neutral and non-polar, with valine, which is neutral and non-polar, at codon 50 of the COL11A2 protein (p.Ala50Val). This variant is not present in population databases (gnomAD no frequency). This variant has not been reported in the literature in individuals affected with COL11A2-related conditions. Invitae Evidence Modeling of protein sequence and biophysical properties (such as structural, functional, and spatial information, amino acid conservation, physicochemical variation, residue mobility, and thermodynamic stability) indicates that this missense variant is not expected to disrupt COL11A2 protein function with a negative predictive value of 95%. In summary, the available evidence is currently insufficient to determine the role of this variant in disease. Therefore, it has been classified as a Variant of Uncertain Significance.